The following is an entry in ClinVar:

NC_000005.10:g.(?_87268442)_(87353245_?)del

Genes: CCNH (cyclin H; minus strand), RASA1 (RAS p21 protein activator 1; plus strand), LOC644285 (uncharacterized LOC644285; minus strand). Cytogenetic location: 5q14.3.
Variant type: Deletion.
Identifiers: ClinVar variation 655225 (VCV000655225.7).

ClinVar aggregate classification (germline): Pathogenic. Review status: criteria provided, single submitter (1 of 4 stars). 2 submissions from 1 submitter: Pathogenic (2). Last evaluated 2018-12-07.

Conditions:
Capillary malformation-arteriovenous malformation syndrome. Also called: Capillary malformation-arteriovenous malformation. Identifiers: Orphanet 137667, MedGen C1842180, MONDO:0012016.
Capillary malformation-arteriovenous malformation 1 (CMAVM1). Identifiers: Orphanet 137667, Orphanet 693907, MedGen C4747394, MONDO:0020783, OMIM 608354.

Submissions (2):

Labcorp Genetics (formerly Invitae), Labcorp
Classification: Pathogenic for Capillary malformation-arteriovenous malformation syndrome. Last evaluated: 2018-12-07. Review status: criteria provided, single submitter. Criteria: Invitae Variant Classification Sherloc (09022015). Collection method: clinical testing. Allele origin: germline.
Comment: This variant is a gross deletion of the genomic region encompassing exons 1-9 of the RASA1 gene, which includes the initiator codon. The 5' end of this event is unknown as it extends beyond the assayed region for this gene and therefore may encompass additional genes. The 3' boundary is likely confined to intron 9Â¬â€ of the RASA1 gene. This is expected to result in an absent or disrupted protein product. For these reasons, this variant has been classified as Pathogenic.

Labcorp Genetics (formerly Invitae), Labcorp
Classification: Pathogenic for Capillary malformation-arteriovenous malformation syndrome. Last evaluated: 2018-12-06. Review status: criteria provided, single submitter. Criteria: Invitae Variant Classification Sherloc (09022015). Collection method: clinical testing. Allele origin: germline.
Comment: This variant is a gross deletion of the genomic region encompassing exons 1-9 of the RASA1 gene, which includes the initiator codon. The 5' end of this event is unknown as it extends beyond the assayed region for this gene and therefore may encompass additional genes. The 3' boundary is likely confined to intron 9¬†of the RASA1 gene. This is expected to result in an absent or disrupted protein product. For these reasons, this variant has been classified as Pathogenic.